The following is an entry in ClinVar:

NM_002778.4(PSAP):c.1005+1G>A

Gene: PSAP (prosaposin; minus strand). Cytogenetic location: 10q22.1.
Variant type: single nucleotide variant.
Coding change: c.1005+1G>A on transcript NM_002778.4 (MANE Select); the canonical splice donor site of the intron after coding-DNA position 1005, G replaced by A.
Molecular consequence: splice donor variant.
Genome position (GRCh38, 1-based): chr10:71,820,239, C>T on the plus strand (G>A on the coding strand, the complement: PSAP is on the minus strand). VCF-style: chr10-71820239-C-T. GRCh37 (hg19) VCF-style: chr10-73579996-C-T.
Other names: c.1005+1G>A (NM_002778.3); c.1011+1G>A (NM_001042466.3); c.1014+1G>A (NM_001042465.3).
Identifiers: ClinVar variation 1330309 (VCV001330309.11), dbSNP rs113365744, ClinGen allele CA209455674.

ClinVar aggregate classification (germline): Pathogenic/Likely pathogenic. Review status: criteria provided, multiple submitters, no conflicts (2 of 4 stars). 6 submissions from 6 submitters: Pathogenic (3); Likely pathogenic (2). 1 of the submissions does not count toward it. Last evaluated 2025-12-30.

Conditions:
Gaucher disease due to saposin C deficiency. Also called: Saposin C Deficiency; Atypical Gaucher disease due to saposin C deficiency. Identifiers: Orphanet 309252, Orphanet 355, MedGen C1864651, MONDO:0012517, OMIM 610539.
Combined PSAP deficiency (PSAPD). Also called: PROSAPOSIN DEFICIENCY; COMBINED SAP DEFICIENCY; Encephalopathy due to prosaposin deficiency. Identifiers: Orphanet 139406, MedGen C2673635, MONDO:0012719, OMIM 611721.
Sphingolipid activator protein 1 deficiency. Also called: METACHROMATIC LEUKODYSTROPHY DUE TO CEREBROSIDE SULFATASE ACTIVATOR DEFICIENCY; Saposin B Deficiency; Metachromatic leukodystrophy due to saposin B deficiency. Identifiers: Orphanet 512, MedGen C0268262, MONDO:0009590, OMIM 249900.
Krabbe disease due to saposin A deficiency. Also called: KRABBE DISEASE, ATYPICAL, DUE TO SAPOSIN A DEFICIENCY; Saposin A Deficiency. Identifiers: Orphanet 487, MedGen C2673266, MONDO:0012720, OMIM 611722.
Parkinson disease 24, autosomal dominant, susceptibility to. Identifiers: MedGen C5561969, MONDO:0859183, OMIM 619491.
Metachromatic leukodystrophy (MLD). Also called: Cerebral sclerosis diffuse metachromatic form; METACHROMATIC LEUKOENCEPHALOPATHY; Arylsulfatase A Deficiency; ARSA DEFICIENCY; CEREBROSIDE SULFATASE DEFICIENCY; SULFATIDE LIPIDOSIS. Identifiers: Orphanet 512, MedGen C0023522, MONDO:0018868, OMIM 250100.

Allele frequency attached by ClinVar (database versions not stated): gnomAD exomes below 0.00001.
gnomAD v4.1: 3 of 1,611,206 alleles (0.00019%); highest among the groups gnomAD compares: Non-Finnish European, 0.00025%; no homozygotes.

Submissions (6):

Natera, Inc.
Classification: Pathogenic for Metachromatic leukodystrophy. Last evaluated: 2025-12-30. Review status: criteria provided, single submitter. Criteria: Natera Variant Classification Schema (03/2026). Collection method: clinical testing. Allele origin: germline.
Comment: The c.1005+1G>A variant in PSAP is a canonical splice donor site variant predicted to affect pre-mRNA splicing, which may result in an abnormal transcript and altered protein product. This variant is expected to result in nonsense mediated decay, truncation, or a dysfunctional protein product. This variant is rare in the general population with a frequency below the threshold expected for the associated phenotype(s). This variant has been observed in one or more individuals affected with the associated recessive disease, as either homozygous or compound heterozygous with a second variant (PMID: 35316504). Additionally, this variant has been observed to segregate in affected family members (PMID: 35316504). Given the available evidence, this variant is classified as Pathogenic.

GeneDx
Classification: Pathogenic. Last evaluated: 2025-05-02. Review status: criteria provided, single submitter. Criteria: GeneDx Variant Classification Process June 2021. Collection method: clinical testing. Allele origin: germline. Affected: yes.
Comment: Canonical splice site variant predicted to result in an in-frame loss of the adjacent exon in a gene for which loss of function is a known mechanism of disease; Not observed at significant frequency in large population cohorts (gnomAD); This variant is associated with the following publications: (PMID: 28457694, 35316504)

Dubai Health Genomic Medicine Center, Dubai Health
Classification: Pathogenic for Combined SAP deficiency. Last evaluated: 2024-10-04. Review status: criteria provided, single submitter. Criteria: ACMG Guidelines, 2015. Collection method: research. Allele origin: germline. Affected: yes.
Comment: PVS1,PM2,PP1,PM3

Fulgent Genetics
Classification: Likely pathogenic for Sphingolipid activator protein 1 deficiency; Gaucher disease due to saposin C deficiency; Combined PSAP deficiency; Krabbe disease due to saposin A deficiency; Parkinson disease 24, autosomal dominant, susceptibility to. Last evaluated: 2024-04-23. Review status: criteria provided, single submitter. Criteria: ACMG Guidelines, 2015. Collection method: clinical testing. Allele origin: germline.

Labcorp Genetics (formerly Invitae), Labcorp
Classification: Likely pathogenic for Sphingolipid activator protein 1 deficiency. Last evaluated: 2022-06-28. Review status: criteria provided, single submitter. Criteria: Invitae Variant Classification Sherloc (09022015). Collection method: clinical testing. Allele origin: germline.
Comment: This sequence change affects a donor splice site in intron 9 of the PSAP gene. It is expected to disrupt RNA splicing. Variants that disrupt the donor or acceptor splice site typically lead to a loss of protein function (PMID: 16199547), and loss-of-function variants in PSAP are known to be pathogenic (PMID: 8554069, 11309366, 17616409, 19267410, 30632081). This variant is not present in population databases (gnomAD no frequency). In summary, the currently available evidence indicates that the variant is pathogenic, but additional data are needed to prove that conclusively. Therefore, this variant has been classified as Likely Pathogenic. Algorithms developed to predict the effect of sequence changes on RNA splicing suggest that this variant may disrupt the consensus splice site. ClinVar contains an entry for this variant (Variation ID: 1330309). This variant has not been reported in the literature in individuals affected with PSAP-related conditions.

Fatma Al Jasmi Lab, United Arab Emirates University
Classification: Pathogenic for Gaucher disease due to saposin C deficiency. Review status: no assertion criteria provided. Collection method: clinical testing. Allele origin: biparental. Inheritance: Autosomal recessive inheritance. Affected: yes. Observed: 1 homozygote. Not counted in ClinVar's aggregate classification.
Comment: wide heterogeneity in the patients’ age of onset and symptoms ranging from Gaucher-like type 3 phenotype with severe refractory myoclonic epilepsy to Gaucher-like type 1 phenotype with growth retardation and hepatosplenomegaly.

Literature cited by the submitters: PubMed 35316504 (cited by Natera, Inc.); PubMed 16199547 (cited by Labcorp Genetics (formerly Invitae), Labcorp); PubMed 8554069 (cited by Labcorp Genetics (formerly Invitae), Labcorp); PubMed 11309366 (cited by Labcorp Genetics (formerly Invitae), Labcorp); PubMed 17616409 (cited by Labcorp Genetics (formerly Invitae), Labcorp); PubMed 19267410 (cited by Labcorp Genetics (formerly Invitae), Labcorp); PubMed 30632081 (cited by Labcorp Genetics (formerly Invitae), Labcorp); PubMed 28457694 (cited by Fatma Al Jasmi Lab, United Arab Emirates University).